The following is an entry in ClinVar:

ClinVar aggregate classification (germline): Uncertain significance (1 of 4 stars; one submission).

Conditions:
Amyotrophic lateral sclerosis type 15. Also called: AMYOTROPHIC LATERAL SCLEROSIS 15 WITH FRONTOTEMPORAL DEMENTIA. Identifiers: Orphanet 803, MedGen C3275459, MONDO:0010459, OMIM 300857.

Allele frequency attached by ClinVar (database versions not stated): TOPMed below 0.00001; gnomAD 0.00001; gnomAD exomes 0.00001.
gnomAD v4.1: 5 of 1,208,991 alleles (0.00041%); highest among the groups gnomAD compares: Non-Finnish European, 0.00056%; no homozygotes.

Submission:

Labcorp Genetics (formerly Invitae), Labcorp
Classification: Uncertain significance for Amyotrophic lateral sclerosis type 15. Last evaluated: 2023-09-25. Review status: criteria provided, single submitter. Criteria: Invitae Variant Classification Sherloc (09022015). Collection method: clinical testing. Allele origin: germline.
Comment: In summary, the available evidence is currently insufficient to determine the role of this variant in disease. Therefore, it has been classified as a Variant of Uncertain Significance. An algorithm developed to predict the effect of missense changes on protein structure and function (PolyPhen-2) suggests that this variant is likely to be tolerated. This variant has not been reported in the literature in individuals affected with UBQLN2-related conditions. The frequency data for this variant in the population databases is considered unreliable, as metrics indicate poor data quality at this position in the gnomAD database. This sequence change replaces glycine, which is neutral and non-polar, with aspartic acid, which is acidic and polar, at codon 343 of the UBQLN2 protein (p.Gly343Asp).

NM_013444.4(UBQLN2):c.1028G>A (p.Gly343Asp)

Gene: UBQLN2 (ubiquilin 2; plus strand). Cytogenetic location: Xp11.21.
Variant type: single nucleotide variant.
Coding change: c.1028G>A on transcript NM_013444.4 (MANE Select); coding-DNA position 1028, G replaced by A.
Protein change: p.Gly343Asp; replaces glycine 343 with aspartic acid.
Molecular consequence: missense variant.
Genome position (GRCh38, 1-based): chrX:56,564,901, G>A. VCF-style: chrX-56564901-G-A. GRCh37 (hg19) VCF-style: chrX-56591334-G-A.
Other names: short protein forms G343D.
Identifiers: ClinVar variation 2705240 (VCV002705240.3), dbSNP rs1204470999, ClinGen allele CA413379668.